The following is an entry in ClinVar:

NM_000836.4(GRIN2D):c.313G>C (p.Asp105His)

Gene: GRIN2D (glutamate ionotropic receptor NMDA type subunit 2D; plus strand). Cytogenetic location: 19q13.33.
Variant type: single nucleotide variant.
Coding change: c.313G>C on transcript NM_000836.4 (MANE Select); coding-DNA position 313, G replaced by C.
Protein change: p.Asp105His; replaces aspartic acid 105 with histidine.
Molecular consequence: missense variant.
Genome position (GRCh38, 1-based): chr19:48,398,705, G>C. VCF-style: chr19-48398705-G-C. GRCh37 (hg19) VCF-style: chr19-48901962-G-C.
Other names: short protein forms D105H.
Identifiers: ClinVar variation 4782243 (VCV004782243.1).

ClinVar aggregate classification (germline): Uncertain significance (1 of 4 stars; one submission).

gnomAD v4.1: 2 of 1,465,736 alleles (0.00014%); highest among the groups gnomAD compares: Non-Finnish European, 0.00009%; no homozygotes.

Submission:

Labcorp Genetics (formerly Invitae), Labcorp
Classification: Uncertain significance. Last evaluated: 2025-09-20. Review status: criteria provided, single submitter. Criteria: Invitae Variant Classification Sherloc (09022015). Collection method: clinical testing. Allele origin: germline.
Comment: This sequence change replaces aspartic acid, which is acidic and polar, with histidine, which is basic and polar, at codon 105 of the GRIN2D protein (p.Asp105His). This variant is not present in population databases (gnomAD no frequency). This variant has not been reported in the literature in individuals affected with GRIN2D-related conditions. Invitae Evidence Modeling of protein sequence and biophysical properties (such as structural, functional, and spatial information, amino acid conservation, physicochemical variation, residue mobility, and thermodynamic stability) indicates that this missense variant is not expected to disrupt GRIN2D protein function with a negative predictive value of 80%. In summary, the available evidence is currently insufficient to determine the role of this variant in disease. Therefore, it has been classified as a Variant of Uncertain Significance.